The following is an entry in ClinVar:

ClinVar aggregate classification (germline): Pathogenic (1 of 4 stars; one submission).

Conditions:
Primary ciliary dyskinesia. Also called: Ciliary dyskinesia. Identifiers: Orphanet 244, MedGen C0008780, MONDO:0016575, HP:0012265.

Submission:

Labcorp Genetics (formerly Invitae), Labcorp
Classification: Pathogenic for Primary ciliary dyskinesia. Last evaluated: 2023-11-03. Review status: criteria provided, single submitter. Criteria: Invitae Variant Classification Sherloc (09022015). Collection method: clinical testing. Allele origin: germline.
Comment: This sequence change falls in intron 23 of the DNAH11 gene. It does not directly change the encoded amino acid sequence of the DNAH11 protein. It affects a nucleotide within the consensus splice site. This variant is not present in population databases (gnomAD no frequency). This variant has been observed in individual(s) with clinical features of primary ciliary dyskinesia (Invitae). In at least one individual the data is consistent with being in trans (on the opposite chromosome) from a pathogenic variant. ClinVar contains an entry for this variant (Variation ID: 1066542). Variants that disrupt the consensus splice site are a relatively common cause of aberrant splicing (PMID: 17576681, 9536098). Algorithms developed to predict the effect of sequence changes on RNA splicing suggest that this variant may disrupt the consensus splice site. This variant disrupts the c.4254+5G nucleotide in the DNAH11 gene. Other variant(s) that disrupt this nucleotide have been determined to be pathogenic (PMID: 22184204). This suggests that this nucleotide is clinically significant, and that variants that disrupt this position are likely to be disease-causing. For these reasons, this variant has been classified as Pathogenic.

Literature cited by the submitters: PubMed 17576681; PubMed 9536098; PubMed 22184204.

NM_001277115.2(DNAH11):c.4254+5G>C

Gene: DNAH11 (dynein axonemal heavy chain 11; plus strand). Cytogenetic location: 7p15.3.
Variant type: single nucleotide variant.
Coding change: c.4254+5G>C on transcript NM_001277115.2 (MANE Select); 5 bases into the intron after coding-DNA position 4254, G replaced by C.
Molecular consequence: intron variant.
Genome position (GRCh38, 1-based): chr7:21,617,782, G>C. VCF-style: chr7-21617782-G-C. GRCh37 (hg19) VCF-style: chr7-21657400-G-C.
Identifiers: ClinVar variation 1066542 (VCV001066542.9), dbSNP rs72657312, ClinGen allele CA2499218849.